The following is an entry in ClinVar:

ClinVar aggregate classification (germline): Pathogenic (1 of 4 stars; one submission).

Conditions:
GLUT1 deficiency syndrome 1, autosomal recessive. Identifiers: MedGen C3149117.

Submission:

Labcorp Genetics (formerly Invitae), Labcorp
Classification: Pathogenic for GLUT1 deficiency syndrome 1, autosomal recessive. Last evaluated: 2021-03-20. Review status: criteria provided, single submitter. Criteria: Invitae Variant Classification Sherloc (09022015). Collection method: clinical testing. Allele origin: germline.
Comment: This sequence change results in a frameshift in the SLC2A1 gene (p.Trp388Cysfs*120). While this is not anticipated to result in nonsense mediated decay, it is expected to disrupt the last 105 amino acid(s) of the SLC2A1 protein and extend the protein by 14 additional amino acid residues. This variant is not present in population databases (ExAC no frequency). This variant has not been reported in the literature in individuals with SLC2A1-related conditions. This variant disrupts the C-terminus of the SLC2A1 protein. Other variant(s) that disrupt this region (p.Glu426*) have been determined to be pathogenic (Invitae). This suggests that variants that disrupt this region of the protein are likely to be causative of disease. For these reasons, this variant has been classified as Pathogenic.

NM_006516.4(SLC2A1):c.1164del (p.Trp388fs)

Gene: SLC2A1 (solute carrier family 2 member 1; minus strand). Cytogenetic location: 1p34.2.
Variant type: Deletion.
Coding change: c.1164del on transcript NM_006516.4 (MANE Select); coding-DNA position 1164, one base deleted (G; older notation c.1164delG).
Protein change: p.Trp388fs; shifts the reading frame from tryptophan 388.
Molecular consequence: frameshift variant.
Genome position (GRCh38, 1-based): chr1:42,927,719, C deleted on the plus strand (G on the coding strand, the reverse complement: SLC2A1 is on the minus strand); the first of 2 consecutive C bases (chr1:42,927,719-42,927,720); deleting either gives the same sequence. VCF-style (leftmost placement, unchanged base first): chr1-42927718-AC-A. GRCh37 (hg19) VCF-style: chr1-43393389-AC-A.
Other names: short protein forms W388fs.
Identifiers: ClinVar variation 1450700 (VCV001450700.8), dbSNP rs2124446431, ClinGen allele CA2573132288.